The following is an entry in ClinVar:

ClinVar aggregate classification (germline): Uncertain significance (1 of 4 stars; one submission).

Conditions:
Catecholaminergic polymorphic ventricular tachycardia 1. Also called: VENTRICULAR TACHYCARDIA, STRESS-INDUCED POLYMORPHIC 1; VENTRICULAR TACHYCARDIA, CATECHOLAMINERGIC POLYMORPHIC, 1, WITH OR WITHOUT ATRIAL DYSFUNCTION AND/OR DILATED CARDIOMYOPATHY; RYR2-Related Catecholaminergic Polymorphic Ventricular Tachycardia. Identifiers: Orphanet 3286, MedGen C1631597, MONDO:0011484, OMIM 604772.

Submission:

Labcorp Genetics (formerly Invitae), Labcorp
Classification: Uncertain significance for Catecholaminergic polymorphic ventricular tachycardia 1. Last evaluated: 2025-10-18. Review status: criteria provided, single submitter. Criteria: Invitae Variant Classification Sherloc (09022015). Collection method: clinical testing. Allele origin: germline.
Comment: This sequence change replaces glutamic acid, which is acidic and polar, with aspartic acid, which is acidic and polar, at codon 4569 of the RYR2 protein (p.Glu4569Asp). This variant is not present in population databases (gnomAD no frequency). This variant has not been reported in the literature in individuals affected with RYR2-related conditions. ClinVar contains an entry for this variant (Variation ID: 2051123). Invitae Evidence Modeling of protein sequence and biophysical properties (such as structural, functional, and spatial information, amino acid conservation, physicochemical variation, residue mobility, and thermodynamic stability) indicates that this missense variant is not expected to disrupt RYR2 protein function with a negative predictive value of 95%. In summary, the available evidence is currently insufficient to determine the role of this variant in disease. Therefore, it has been classified as a Variant of Uncertain Significance.

NM_001035.3(RYR2):c.13707G>C (p.Glu4569Asp)

Gene: RYR2 (ryanodine receptor 2; plus strand). Cytogenetic location: 1q43.
Variant type: single nucleotide variant.
Coding change: c.13707G>C on transcript NM_001035.3 (MANE Select); coding-DNA position 13707, G replaced by C.
Protein change: p.Glu4569Asp; replaces glutamic acid 4569 with aspartic acid.
Molecular consequence: missense variant.
Genome position (GRCh38, 1-based): chr1:237,792,248, G>C. VCF-style: chr1-237792248-G-C. GRCh37 (hg19) VCF-style: chr1-237955548-G-C.
Other names: short protein forms E4569D.
Identifiers: ClinVar variation 2051123 (VCV002051123.4), dbSNP rs1303471745, ClinGen allele CA345417569.
Genomic context (GRCh38, chr1:237,792,248, plus strand): 5'-CAGCTCCCATAGAATCATCGCAGTTCACTATGTACTAGAGGAGAGCAGCGGCTACATGGA[G>C]CCCACGTTGCGTATCTTAGCTATTCTGCACACGGTCATTTCTTTCTTCTGCATCATTGGA-3'
Protein context (NP_001026.2, residues 4559-4579): YVLEESSGYM[Glu4569Asp]PTLRILAILH